The following is an entry in ClinVar:

NM_006554.5(MTX2):c.208+1G>A

Gene: MTX2 (metaxin 2; plus strand). Cytogenetic location: 2q31.1.
Variant type: single nucleotide variant.
Coding change: c.208+1G>A on transcript NM_006554.5 (MANE Select); the canonical splice donor site of the intron after coding-DNA position 208, G replaced by A.
Molecular consequence: splice donor variant.
Genome position (GRCh38, 1-based): chr2:176,323,465, G>A. VCF-style: chr2-176323465-G-A. GRCh37 (hg19) VCF-style: chr2-177188193-G-A.
Other names: c.178+1G>A (NM_001006635.3); c.208+1G>A (NM_001319098.2, NM_001319097.2).
Identifiers: ClinVar variation 4854885 (VCV004854885.1).

ClinVar aggregate classification (germline): Likely pathogenic (1 of 4 stars; one submission).

Conditions:
Mandibuloacral dysplasia progeroid syndrome. Identifiers: Orphanet 647667, MedGen C5436867, MONDO:0030880, OMIM 619127.

gnomAD v4.1: 1 of 1,608,240 alleles (0.000062%); highest among the groups gnomAD compares: Admixed American, 0.0017%; no homozygotes.

Submission:

3billion
Classification: Likely pathogenic for Mandibuloacral dysplasia progeroid syndrome. Last evaluated: 2025-12-08. Review status: criteria provided, single submitter. Criteria: ACMG Guidelines, 2015. Collection method: clinical testing. Allele origin: germline. Affected: yes.
Comment: The variant is observed at an extremely low frequency in the gnomAD v4.1.0 dataset (total allele frequency: <0.001%). Predicted Consequence/Location: Canonical splice site: predicted to alter splicing and result in a loss or disruption of normal protein function. Multiple pathogenic loss-of-function variants are reported downstream of the variant. In silico tools predict the variant to alter splicing and produce an abnormal transcript [SpliceAI: 1.00 (spliceogenicity >=0.2, non-spliceogenicity <0.1)]. The variant has been reported to be associated with MTX2-related disorder (PMID: 38544690). Therefore, this variant is classified as Pathogenic according to the recommendation of ACMG/AMP guideline.